The following is an entry in ClinVar:

NM_017617.5(NOTCH1):c.18_19delinsAT (p.Pro7Ser)

Genes: NOTCH1 (notch receptor 1; minus strand), LOC130003020 (ATAC-STARR-seq lymphoblastoid silent region 20528; plus strand). Cytogenetic location: 9q34.3.
Variant type: Indel.
Coding change: c.18_19delinsAT on transcript NM_017617.5 (MANE Select); coding-DNA positions 18 to 19, GC replaced by AT.
Protein change: p.Pro7Ser; replaces proline 7 with serine.
Molecular consequence: missense variant.
Genome position (GRCh38, 1-based): chr9:136,545,768-136,545,769, GC replaced by AT on the plus strand (GC replaced by AT on the coding strand, the reverse complement: NOTCH1 is on the minus strand). VCF-style: chr9-136545768-GC-AT. GRCh37 (hg19) VCF-style: chr9-139440220-GC-AT.
Other names: short protein forms P7S.
Identifiers: ClinVar variation 4752471 (VCV004752471.1).

ClinVar aggregate classification (germline): Uncertain significance (1 of 4 stars; one submission).

Conditions:
Adams-Oliver syndrome 5 (AOS5). Identifiers: Orphanet 974, MedGen C4014970, MONDO:0014459, OMIM 616028.

Submission:

Labcorp Genetics (formerly Invitae), Labcorp
Classification: Uncertain significance for Adams-Oliver syndrome 5. Last evaluated: 2026-01-19. Review status: criteria provided, single submitter. Criteria: Invitae Variant Classification Sherloc (09022015). Collection method: clinical testing. Allele origin: germline.
Comment: This sequence change replaces proline, which is neutral and non-polar, with serine, which is neutral and polar, at codon 7 of the NOTCH1 protein (p.Pro7Ser). Information on the frequency of this variant in the gnomAD database is not available, as this variant may be reported differently in the database. This variant has not been reported in the literature in individuals affected with NOTCH1-related conditions. Experimental studies and prediction algorithms are not available or were not evaluated, and the functional significance of this variant is currently unknown. In summary, the available evidence is currently insufficient to determine the role of this variant in disease. Therefore, it has been classified as a Variant of Uncertain Significance.